The following is an entry in ClinVar:

ClinVar aggregate classification (germline): Benign (1 of 4 stars; one submission).

Allele frequency attached by ClinVar (database versions not stated): 1000 Genomes Project 30x 0.98641; 1000 Genomes Project 0.98642; TOPMed 0.98943; gnomAD 0.98976 and 0.98977.
gnomAD v4.1: 150,738 of 152,302 alleles (99%); highest among the groups gnomAD compares: Non-Finnish European, 99%; 74,596 homozygotes.

Submission:

GeneDx
Classification: Benign. Last evaluated: 2018-06-19. Review status: criteria provided, single submitter. Criteria: GeneDx Variant Classification (06012015). Collection method: clinical testing. Allele origin: germline. Affected: yes.
Comment: This variant is considered likely benign or benign based on one or more of the following criteria: it is a conservative change, it occurs at a poorly conserved position in the protein, it is predicted to be benign by multiple in silico algorithms, and/or has population frequency not consistent with disease.

NM_182943.3(PLOD2):c.339-289C>T

Gene: PLOD2 (procollagen-lysine,2-oxoglutarate 5-dioxygenase 2; minus strand). Cytogenetic location: 3q24.
Variant type: single nucleotide variant.
Coding change: c.339-289C>T on transcript NM_182943.3 (MANE Select); 289 bases into the intron before coding-DNA position 339, C replaced by T.
Molecular consequence: intron variant.
Genome position (GRCh38, 1-based): chr3:146,110,737, G>A on the plus strand (C>T on the coding strand, the complement: PLOD2 is on the minus strand). VCF-style: chr3-146110737-G-A. GRCh37 (hg19) VCF-style: chr3-145828524-G-A.
Other names: c.339-289C>T (NM_000935.3).
Identifiers: ClinVar variation 684286 (VCV000684286.1), dbSNP rs7626859, ClinGen allele CA84537502.
Genomic context (GRCh38, chr3:146,110,737, plus strand): 5'-TTTTTTAGTGTTAGCCTTAATTTTTTTTTCAGGAATCACTTATTCCCAAATTGAAATTCT[G>A]AAACAGCATTAAAATGTTAGAAATACAGTTACTTGTTGTATAACTTTATAATACAGATAG-3'